The following is an entry in ClinVar:

ClinVar aggregate classification (germline): Uncertain significance (1 of 4 stars; one submission).

Conditions:
Cardiovascular phenotype. Identifiers: MedGen CN230736.

gnomAD v4.1: 5 of 1,550,054 alleles (0.00032%); highest among the groups gnomAD compares: Non-Finnish European, 0.00035%; no homozygotes.

Submission:

Ambry Genetics
Classification: Uncertain significance for Cardiovascular phenotype. Last evaluated: 2023-04-03. Review status: criteria provided, single submitter. Criteria: Ambry Variant Classification Scheme 2023. Collection method: clinical testing. Allele origin: germline.
Comment: The p.Q2804P variant (also known as c.8411A>C), located in coding exon 2 of the ZNF469 gene, results from an A to C substitution at nucleotide position 8411. The glutamine at codon 2804 is replaced by proline, an amino acid with similar properties. This amino acid position is conserved. In addition, this alteration is predicted to be tolerated by in silico analysis. Since supporting evidence is limited at this time, the clinical significance of this alteration remains unclear.

NM_001367624.2(ZNF469):c.8495A>C (p.Gln2832Pro)

Gene: ZNF469 (zinc finger protein 469; plus strand). Cytogenetic location: 16q24.2.
Variant type: single nucleotide variant.
Coding change: c.8495A>C on transcript NM_001367624.2 (MANE Select); coding-DNA position 8495, A replaced by C.
Protein change: p.Gln2832Pro; replaces glutamine 2832 with proline.
Molecular consequence: missense variant.
Genome position (GRCh38, 1-based): chr16:88,435,965, A>C. VCF-style: chr16-88435965-A-C. GRCh37 (hg19) VCF-style: chr16-88502373-A-C.
Other names: NM_001127464.1:c.8411A>C; short protein forms Q2832P.
Identifiers: ClinVar variation 2564214 (VCV002564214.2), dbSNP rs371361395, ClinGen allele CA397118188.